The following is an entry in ClinVar:

ClinVar aggregate classification (germline): Uncertain significance (1 of 4 stars; one submission).

Conditions:
Neuropathy, hereditary sensory, type 2C. Also called: KIF1A-Related HSAN2 (HSAN2C); Hereditary sensory and autonomic neuropathy type IIC. Identifiers: Orphanet 970, MedGen C3280168, MONDO:0013634, OMIM 614213.
Hereditary spastic paraplegia 30. Identifiers: Orphanet 101010, MedGen C5235139, MONDO:0012476.
Intellectual disability, autosomal dominant 9 (NESCAVS). Also called: NESCAV SYNDROME; KIF1A-Related Neurodevelopmental Disorder. Identifiers: Orphanet 662367, MedGen C5393830, MONDO:0013656, OMIM 614255.

Submission:

Labcorp Genetics (formerly Invitae), Labcorp
Classification: Uncertain significance for Hereditary spastic paraplegia 30; Neuropathy, hereditary sensory, type 2C; Intellectual disability, autosomal dominant 9. Last evaluated: 2022-12-23. Review status: criteria provided, single submitter. Criteria: Invitae Variant Classification Sherloc (09022015). Collection method: clinical testing. Allele origin: germline.
Comment: In summary, the available evidence is currently insufficient to determine the role of this variant in disease. Therefore, it has been classified as a Variant of Uncertain Significance. Advanced modeling of protein sequence and biophysical properties (such as structural, functional, and spatial information, amino acid conservation, physicochemical variation, residue mobility, and thermodynamic stability) has been performed at Invitae for this missense variant, however the output from this modeling did not meet the statistical confidence thresholds required to predict the impact of this variant on KIF1A protein function. This variant has not been reported in the literature in individuals affected with KIF1A-related conditions. This variant is not present in population databases (gnomAD no frequency). This sequence change replaces arginine, which is basic and polar, with histidine, which is basic and polar, at codon 942 of the KIF1A protein (p.Arg942His).

NM_001244008.2(KIF1A):c.3128G>A (p.Arg1043His)

Gene: KIF1A (kinesin family member 1A; minus strand). Cytogenetic location: 2q37.3.
Variant type: single nucleotide variant.
Coding change: c.3128G>A on transcript NM_001244008.2 (MANE Select); coding-DNA position 3128, G replaced by A.
Protein change: p.Arg1043His; replaces arginine 1043 with histidine.
Molecular consequence: missense variant.
Genome position (GRCh38, 1-based): chr2:240,746,113, C>T on the plus strand (G>A on the coding strand, the complement: KIF1A is on the minus strand). VCF-style: chr2-240746113-C-T. GRCh37 (hg19) VCF-style: chr2-241685530-C-T.
Other names: c.2852G>A, p.Arg951His (NM_001320705.2, NM_001330289.2, NM_001379638.1); c.2927G>A, p.Arg976His (NM_001330290.2, NM_001379634.1, NM_001379635.1 and 1 more transcripts); c.3203G>A, p.Arg1068His (NM_001379631.1); c.3077G>A, p.Arg1026His (NM_001379632.1); c.3101G>A, p.Arg1034His (NM_001379633.1, NM_001379642.1, NM_001379645.1); c.2825G>A, p.Arg942His (NM_001379636.1, NM_001379639.1, NM_001379640.1 and 7 more transcripts); c.2900G>A, p.Arg967His (NM_001379637.1, NM_001379648.1); short protein forms R1068H, R967H, R1043H, R942H, R951H, R1026H, R1034H, R976H.
Identifiers: ClinVar variation 2942630 (VCV002942630.3), dbSNP rs2537298643, ClinGen allele CA351318906.
Genomic context (GRCh38, chr2:240,746,113, plus strand): 5'-TTGTTGACTTCATCGGCTGAGGGCCCCACGTCTGCACCCTGGCCCTGGCCCTCCACGATG[C>T]GAAGCTCTTCCTGGGAGGTTCCCGAGCGGGACATCCCCACCACGGGGCAAGACTCGGACT-3'
Protein context (NP_001230937.1, residues 1033-1053): SRSGTSQEEL[Arg1043His]IVEGQGQGAD